The following is an entry in ClinVar:

NM_020347.4(LZTFL1):c.422T>C (p.Leu141Pro)

Gene: LZTFL1 (leucine zipper transcription factor like 1; minus strand). Cytogenetic location: 3p21.31.
Variant type: single nucleotide variant.
Coding change: c.422T>C on transcript NM_020347.4 (MANE Select); coding-DNA position 422, T replaced by C.
Protein change: p.Leu141Pro; replaces leucine 141 with proline.
Molecular consequence: missense variant. On other transcripts: non-coding transcript variant (1).
Genome position (GRCh38, 1-based): chr3:45,833,084, A>G on the plus strand (T>C on the coding strand, the complement: LZTFL1 is on the minus strand). VCF-style: chr3-45833084-A-G. GRCh37 (hg19) VCF-style: chr3-45874576-A-G.
Other names: c.371T>C, p.Leu124Pro (NM_001276378.2); c.410T>C, p.Leu137Pro (NM_001276379.2); short protein forms L124P, L137P, L141P.
Identifiers: ClinVar variation 1019255 (VCV001019255.2), dbSNP rs1700874586, ClinGen allele CA352451543.
Genomic context (GRCh38, chr3:45,833,084, plus strand): 5'-TCCGTTTCTCAAAATAATAATATTACCTTGTTTAGGAGTTCTGCTGTTCCACCTTCATTA[A>G]GTGGAGCAAGTTTTGGCTTTGTGACATCTAAGATGGGCTGAAACAAAATAAAGAAACCAA-3'
Protein context (NP_065080.1, residues 131-151): LDVTKPKLAP[Leu141Pro]NEGGTAELLN

ClinVar aggregate classification (germline): Uncertain significance (1 of 4 stars; one submission).

gnomAD v4.1: 1 of 1,613,838 alleles (0.000062%); no homozygotes.

Submission:

Labcorp Genetics (formerly Invitae), Labcorp
Classification: Uncertain significance. Last evaluated: 2021-08-24. Review status: criteria provided, single submitter. Criteria: Invitae Variant Classification Sherloc (09022015). Collection method: clinical testing. Allele origin: germline.
Comment: This sequence change replaces leucine with proline at codon 141 of the LZTFL1 protein (p.Leu141Pro). The leucine residue is moderately conserved and there is a moderate physicochemical difference between leucine and proline. This variant is not present in population databases (ExAC no frequency). This variant has not been reported in the literature in individuals affected with LZTFL1-related conditions. Algorithms developed to predict the effect of missense changes on protein structure and function (SIFT, PolyPhen-2, Align-GVGD) all suggest that this variant is likely to be disruptive. In summary, the available evidence is currently insufficient to determine the role of this variant in disease. Therefore, it has been classified as a Variant of Uncertain Significance.